The following is an entry in ClinVar:

ClinVar aggregate classification (germline): Benign/Likely benign. Review status: criteria provided, multiple submitters, no conflicts (2 of 4 stars). 4 submissions from 4 submitters: Benign (2); Likely benign (1). 1 of the submissions does not count toward it. Last evaluated 2026-01-11.

Conditions:
IL17RA-related disorder. Also called: IL17RA-related condition.
Immunodeficiency 51 (IMD51). Also called: CANDIDIASIS, FAMILIAL, 5. Identifiers: Orphanet 1334, MedGen C4310803, MONDO:0013500, OMIM 613953.

Allele frequency attached by ClinVar (database versions not stated): gnomAD exomes 0.00100; ExAC 0.00114; gnomAD 0.00382 and 0.00411; TOPMed 0.00418; 1000 Genomes Project 30x 0.00468; 1000 Genomes Project 0.00479; ESP Exome Variant Server 0.00484.
gnomAD v4.1: 1,157 of 1,614,148 alleles (0.072%); highest among the groups gnomAD compares: African/African-American, 1.3%; 5 homozygotes.

Submissions (4):

Labcorp Genetics (formerly Invitae), Labcorp
Classification: Benign for Immunodeficiency 51. Last evaluated: 2026-01-11. Review status: criteria provided, single submitter. Criteria: Invitae Variant Classification Sherloc (09022015). Collection method: clinical testing. Allele origin: germline.

Mayo Clinic Laboratories, Mayo Clinic
Classification: Benign. Last evaluated: 2025-07-23. Review status: criteria provided, single submitter. Criteria: ACMG Guidelines, 2015. Collection method: clinical testing. Allele origin: germline. Observed: 2 variant alleles.
Comment: BA1, BP4, BP7

Blueprint Genetics
Classification: Likely benign. Last evaluated: 2024-11-14. Review status: criteria provided, single submitter. Criteria: ACMG Guidelines, 2015. Collection method: clinical testing. Allele origin: germline.

PreventionGenetics, part of Exact Sciences
Classification: Benign for IL17RA-related condition. Last evaluated: 2024-03-12. Review status: no assertion criteria provided. Collection method: clinical testing. Allele origin: germline. Not counted in ClinVar's aggregate classification.
Comment: This variant is classified as benign based on ACMG/AMP sequence variant interpretation guidelines (Richards et al. 2015 PMID: 25741868, with internal and published modifications).

NM_014339.7(IL17RA):c.873C>T (p.Leu291=)

Gene: IL17RA (interleukin 17 receptor A; plus strand). Cytogenetic location: 22q11.1.
Variant type: single nucleotide variant.
Coding change: c.873C>T on transcript NM_014339.7 (MANE Select); coding-DNA position 873, C replaced by T.
Protein change: p.Leu291=; no amino-acid change (leucine 291 retained).
Molecular consequence: synonymous variant.
Genome position (GRCh38, 1-based): chr22:17,104,752, C>T. VCF-style: chr22-17104752-C-T. GRCh37 (hg19) VCF-style: chr22-17585642-C-T.
Other names: p.Leu291=; c.873C>T, p.Leu291= (NM_001289905.2).
Identifiers: ClinVar variation 542920 (VCV000542920.15), dbSNP rs2228077, ClinGen allele CA10086525.